The following is an entry in ClinVar:

NM_020937.4(FANCM):c.3292A>G (p.Asn1098Asp)

Gene: FANCM (FA complementation group M; plus strand). Cytogenetic location: 14q21.2.
Variant type: single nucleotide variant.
Coding change: c.3292A>G on transcript NM_020937.4 (MANE Select); coding-DNA position 3292, A replaced by G.
Protein change: p.Asn1098Asp; replaces asparagine 1098 with aspartic acid.
Molecular consequence: missense variant.
Genome position (GRCh38, 1-based): chr14:45,176,046, A>G. VCF-style: chr14-45176046-A-G. GRCh37 (hg19) VCF-style: chr14-45645249-A-G.
Other names: c.3214A>G, p.Asn1072Asp (NM_001308133.2); short protein forms N1072D, N1098D.
Identifiers: ClinVar variation 1494969 (VCV001494969.6), dbSNP rs1888666556, ClinGen allele CA389600860.

ClinVar aggregate classification (germline): Uncertain significance (1 of 4 stars; one submission).

Conditions:
Fanconi anemia (FA). Also called: Fanconi's anemia. Identifiers: Orphanet 84, MedGen C0015625, MeSH D005199, MONDO:0019391.

Allele frequency attached by ClinVar (database versions not stated): gnomAD exomes below 0.00001.
gnomAD v4.1: 2 of 1,614,098 alleles (0.00012%); highest among the groups gnomAD compares: East Asian, 0.0045%; no homozygotes.

Submission:

Labcorp Genetics (formerly Invitae), Labcorp
Classification: Uncertain significance for Fanconi anemia. Last evaluated: 2021-11-09. Review status: criteria provided, single submitter. Criteria: Invitae Variant Classification Sherloc (09022015). Collection method: clinical testing. Allele origin: germline.
Comment: This sequence change replaces asparagine, which is neutral and polar, with aspartic acid, which is acidic and polar, at codon 1098 of the FANCM protein (p.Asn1098Asp). This variant is not present in population databases (gnomAD no frequency). This variant has not been reported in the literature in individuals affected with FANCM-related conditions. Algorithms developed to predict the effect of missense changes on protein structure and function output the following: SIFT: "Tolerated"; PolyPhen-2: "Benign"; Align-GVGD: "Class C0". The aspartic acid amino acid residue is found in multiple mammalian species, which suggests that this missense change does not adversely affect protein function. In summary, the available evidence is currently insufficient to determine the role of this variant in disease. Therefore, it has been classified as a Variant of Uncertain Significance.